The following is an entry in ClinVar:

ClinVar aggregate classification (germline): Uncertain significance (1 of 4 stars; one submission).

Submission:

Labcorp Genetics (formerly Invitae), Labcorp
Classification: Uncertain significance. Last evaluated: 2021-02-22. Review status: criteria provided, single submitter. Criteria: Invitae Variant Classification Sherloc (09022015). Collection method: clinical testing. Allele origin: germline.
Comment: In summary, the available evidence is currently insufficient to determine the role of this variant in disease. Therefore, it has been classified as a Variant of Uncertain Significance. Algorithms developed to predict the effect of missense changes on protein structure and function (SIFT, PolyPhen-2, Align-GVGD) all suggest that this variant is likely to be disruptive, but these predictions have not been confirmed by published functional studies and their clinical significance is uncertain. This variant has not been reported in the literature in individuals with ADAMTS10-related conditions. This variant is not present in population databases (ExAC no frequency). This sequence change replaces cysteine with phenylalanine at codon 601 of the ADAMTS10 protein (p.Cys601Phe). The cysteine residue is highly conserved and there is a large physicochemical difference between cysteine and phenylalanine.

NM_030957.4(ADAMTS10):c.1802G>T (p.Cys601Phe)

Gene: ADAMTS10 (ADAM metallopeptidase with thrombospondin type 1 motif 10; minus strand). Cytogenetic location: 19p13.2.
Variant type: single nucleotide variant.
Coding change: c.1802G>T on transcript NM_030957.4 (MANE Select); coding-DNA position 1802, G replaced by T.
Protein change: p.Cys601Phe; replaces cysteine 601 with phenylalanine.
Molecular consequence: missense variant.
Genome position (GRCh38, 1-based): chr19:8,589,987, C>A on the plus strand (G>T on the coding strand, the complement: ADAMTS10 is on the minus strand). VCF-style: chr19-8589987-C-A. GRCh37 (hg19) VCF-style: chr19-8654871-C-A.
Other names: c.274G>T, p.Val92Phe (NM_001282352.2); short protein forms C601F, V92F.
Identifiers: ClinVar variation 1483493 (VCV001483493.8), dbSNP rs2146057309, ClinGen allele CA403751272.